The following is an entry in ClinVar:

NM_000321.3(RB1):c.2026T>G (p.Leu676Val)

Gene: RB1 (RB transcriptional corepressor 1; plus strand). Cytogenetic location: 13q14.2.
Variant type: single nucleotide variant.
Coding change: c.2026T>G on transcript NM_000321.3 (MANE Select); coding-DNA position 2026, T replaced by G.
Protein change: p.Leu676Val; replaces leucine 676 with valine.
Molecular consequence: missense variant.
Genome position (GRCh38, 1-based): chr13:48,459,753, T>G. VCF-style: chr13-48459753-T-G. GRCh37 (hg19) VCF-style: chr13-49033889-T-G.
Other names: c.2026T>G, p.Leu676Val (NM_001407165.1); short protein forms L676V.
Identifiers: ClinVar variation 3231210 (VCV003231210.1), dbSNP rs2542368220, ClinGen allele CA388166791.
Genomic context (GRCh38, chr13:48,459,753, plus strand): 5'-CGGCTAGCCTATCTCCGGCTAAATACACTTTGTGAACGCCTTCTGTCTGAGCACCCAGAA[T>G]TAGAACATATCATCTGGACCCTTTTCCAGCACACCCTGCAGAATGAGTATGAACTCATGA-3'
Protein context (NP_000312.2, residues 666-686): CERLLSEHPE[Leu676Val]EHIIWTLFQH

ClinVar aggregate classification (germline): Uncertain significance (1 of 4 stars; one submission).

Conditions:
Hereditary cancer-predisposing syndrome. Also called: Neoplastic Syndromes, Hereditary; Tumor predisposition; Hereditary neoplastic syndrome; Hereditary Cancer Syndrome. Identifiers: Orphanet 140162, MedGen C0027672, MeSH D009386, MONDO:0015356.

Allele frequency attached by ClinVar (database versions not stated): gnomAD exomes below 0.00001.
gnomAD v4.1: 4 of 1,613,814 alleles (0.00025%); highest among the groups gnomAD compares: Non-Finnish European, 0.00025%; no homozygotes.

Submission:

Ambry Genetics
Classification: Uncertain significance for Hereditary cancer-predisposing syndrome. Last evaluated: 2023-10-17. Review status: criteria provided, single submitter. Criteria: Ambry Variant Classification Scheme 2023. Collection method: clinical testing. Allele origin: germline.
Comment: The p.L676V variant (also known as c.2026T>G), located in coding exon 20 of the RB1 gene, results from a T to G substitution at nucleotide position 2026. The leucine at codon 676 is replaced by valine, an amino acid with highly similar properties. This amino acid position is well conserved in available vertebrate species. In addition, the in silico prediction for this alteration is inconclusive. Since supporting evidence is limited at this time, the clinical significance of this alteration remains unclear.